The following is an entry in ClinVar:

ClinVar aggregate classification (germline): Likely pathogenic (1 of 4 stars; one submission).

Conditions:
Medulloblastoma (MDB). Also called: Medulloblastoma, somatic; MEDULLOBLASTOMA PREDISPOSITION SYNDROME. Identifiers: Orphanet 616, MedGen C0025149, MeSH D008527, MONDO:0007959, OMIM 155255, HP:0002885.
Gorlin syndrome. Also called: Nevoid Basal Cell Carcinoma Syndrome; Basal cell nevus syndrome. Identifiers: Orphanet 377, MedGen C0004779, MONDO:0007187.

Submission:

Labcorp Genetics (formerly Invitae), Labcorp
Classification: Likely pathogenic for Gorlin syndrome; Medulloblastoma. Last evaluated: 2021-09-08. Review status: criteria provided, single submitter. Criteria: Invitae Variant Classification Sherloc (09022015). Collection method: clinical testing. Allele origin: germline.
Comment: This sequence change affects a donor splice site in intron 1 of the SUFU gene. It is expected to disrupt RNA splicing. Variants that disrupt the donor or acceptor splice site typically lead to a loss of protein function (PMID: 16199547), and loss-of-function variants in SUFU are known to be pathogenic (PMID: 22508808, 25403219). This variant is not present in population databases (ExAC no frequency). This variant has not been reported in the literature in individuals affected with SUFU-related conditions. Algorithms developed to predict the effect of sequence changes on RNA splicing suggest that this variant may disrupt the consensus splice site. In summary, the currently available evidence indicates that the variant is pathogenic, but additional data are needed to prove that conclusively. Therefore, this variant has been classified as Likely Pathogenic.

Literature cited by the submitters: PubMed 16199547; PubMed 22508808; PubMed 25403219.

NM_016169.4(SUFU):c.182+1G>A

Gene: SUFU (SUFU negative regulator of hedgehog signaling; plus strand). Cytogenetic location: 10q24.32.
Variant type: single nucleotide variant.
Coding change: c.182+1G>A on transcript NM_016169.4 (MANE Select); the canonical splice donor site of the intron after coding-DNA position 182, G replaced by A.
Molecular consequence: splice donor variant.
Genome position (GRCh38, 1-based): chr10:102,504,335, G>A. VCF-style: chr10-102504335-G-A. GRCh37 (hg19) VCF-style: chr10-104264092-G-A.
Other names: c.182+1G>A (NM_001178133.2).
Identifiers: ClinVar variation 1506214 (VCV001506214.6), dbSNP rs2135598885, ClinGen allele CA377886817.